The following is an entry in ClinVar:

ClinVar aggregate classification (germline): Benign. Review status: criteria provided, multiple submitters, no conflicts (2 of 4 stars). 2 submissions from 2 submitters: Benign (2). Last evaluated 2021-05-24.

Conditions:
Vitreoretinopathy. Also called: Vitreoretinal degeneration. Identifiers: MedGen C0344290, MONDO:0020248, HP:0007773.

Allele frequency attached by ClinVar (database versions not stated): gnomAD exomes 0.01487; gnomAD 0.03831 and 0.03976; TOPMed 0.04151; 1000 Genomes Project 0.05052; 1000 Genomes Project 30x 0.05262.
gnomAD v4.1: 5,786 of 153,214 alleles (3.8%); highest among the groups gnomAD compares: African/African-American, 11%; 307 homozygotes.

Submissions (2):

GeneDx
Classification: Benign. Last evaluated: 2021-05-24. Review status: criteria provided, single submitter. Criteria: GeneDx Variant Classification Process June 2021. Collection method: clinical testing. Allele origin: germline. Affected: yes.

Illumina Laboratory Services, Illumina
Classification: Benign for Vitreoretinopathy. Last evaluated: 2018-01-13. Review status: criteria provided, single submitter. Criteria: ICSL Variant Classification Criteria 13 December 2019. Collection method: clinical testing. Allele origin: germline.
Comment: This variant was observed in the ICSL laboratory as part of a predisposition screen in an ostensibly healthy population. It had not been previously curated by ICSL or reported in the Human Gene Mutation Database (HGMD: prior to June 1st, 2018), and was therefore a candidate for classification through an automated scoring system. Utilizing variant allele frequency, disease prevalence and penetrance estimates, and inheritance mode, an automated score was calculated to assess if this variant is too frequent to cause the disease. Based on the score and internal cut-off values, a variant classified as benign is not then subjected to further curation. The score for this variant resulted in a classification of benign for this disease.

NM_004385.5(VCAN):c.*730A>G

Gene: VCAN (versican; plus strand). Cytogenetic location: 5q14.3.
Variant type: single nucleotide variant.
Coding change: c.*730A>G on transcript NM_004385.5 (MANE Select); 730 bases downstream of the stop codon, A replaced by G.
Molecular consequence: 3 prime UTR variant.
Genome position (GRCh38, 1-based): chr5:83,581,164, A>G. VCF-style: chr5-83581164-A-G. GRCh37 (hg19) VCF-style: chr5-82876983-A-G.
Other names: c.*730A>G (NM_001126336.3, NM_001164097.2, NM_001164098.2).
Identifiers: ClinVar variation 354476 (VCV000354476.7), dbSNP rs8061, ClinGen allele CA10625152.